The following is an entry in ClinVar:

ClinVar aggregate classification (germline): Likely benign. Review status: criteria provided, single submitter (1 of 4 stars). 2 submissions from 1 submitter: Likely benign (2). Last evaluated 2018-01-13.

Conditions:
Irido-corneo-trabecular dysgenesis (ASGD5). Also called: ANTERIOR SEGMENT DYSGENESIS 5. Identifiers: Orphanet 708, MedGen C0344559, MONDO:0011414, OMIM 604229, HP:0000659.
Glaucoma 3A. Also called: Glaucoma 3, primary congenital, A. Identifiers: Orphanet 98976, Orphanet 98977, MedGen C1856439, MONDO:0009277, OMIM 231300.

Allele frequency attached by ClinVar (database versions not stated): gnomAD exomes 0.00194; 1000 Genomes Project 0.01158; 1000 Genomes Project 30x 0.01234; gnomAD 0.01282 and 0.01416; TOPMed 0.01480.
gnomAD v4.1: 2,027 of 196,660 alleles (1%); highest among the groups gnomAD compares: African/African-American, 4.4%; 41 homozygotes.

Submissions (2):

Illumina Laboratory Services, Illumina
Classification: Likely benign for Irido-corneo-trabecular dysgenesis. Last evaluated: 2018-01-13. Review status: criteria provided, single submitter. Criteria: ICSL Variant Classification Criteria 13 December 2019. Collection method: clinical testing. Allele origin: germline.
Comment: This variant was observed in the ICSL laboratory as part of a predisposition screen in an ostensibly healthy population. It had not been previously curated by ICSL or reported in the Human Gene Mutation Database (HGMD: prior to June 1st, 2018), and was therefore a candidate for classification through an automated scoring system. Utilizing variant allele frequency, disease prevalence and penetrance estimates, and inheritance mode, an automated score was calculated to assess if this variant is too frequent to cause the disease. Based on the score and internal cut-off values, a variant classified as likely benign is not then subjected to further curation. The score for this variant resulted in a classification of likely benign for this disease.

Illumina Laboratory Services, Illumina
Classification: Likely benign for Glaucoma 3A. Last evaluated: 2018-01-13. Review status: criteria provided, single submitter. Criteria: ICSL Variant Classification Criteria 13 December 2019. Collection method: clinical testing. Allele origin: germline.
Comment: the same text as in the submission from Illumina Laboratory Services, Illumina above.

NM_000104.4(CYP1B1):c.*926A>C

Gene: CYP1B1 (cytochrome P450 family 1 subfamily B member 1; minus strand). Cytogenetic location: 2p22.2.
Variant type: single nucleotide variant.
Coding change: c.*926A>C on transcript NM_000104.4 (MANE Select); 926 bases downstream of the stop codon, A replaced by C.
Molecular consequence: 3 prime UTR variant.
Genome position (GRCh38, 1-based): chr2:38,069,796, T>G on the plus strand (A>C on the coding strand, the complement: CYP1B1 is on the minus strand). VCF-style: chr2-38069796-T-G. GRCh37 (hg19) VCF-style: chr2-38296939-T-G.
Identifiers: ClinVar variation 895176 (VCV000895176.4), dbSNP rs9341261, ClinGen allele CA45504851.